The following is an entry in ClinVar:

ClinVar aggregate classification (germline): Likely benign. Review status: criteria provided, multiple submitters, no conflicts (2 of 4 stars). 4 submissions from 4 submitters: Likely benign (3). 1 of the submissions does not count toward it. Last evaluated 2026-01-13.

Conditions:
Leber congenital amaurosis 10 (LCA10). Identifiers: Orphanet 65, MedGen C1857821, MONDO:0012723, OMIM 611755.
Meckel syndrome, type 4 (MKS4). Also called: MECKEL-GRUBER SYNDROME, TYPE 4. Identifiers: Orphanet 564, MedGen C1970161, MONDO:0012626, OMIM 611134.
Senior-Loken syndrome 6 (SLSN6). Identifiers: Orphanet 3156, MedGen C1857779, MONDO:0012433, OMIM 610189.
Joubert syndrome 5 (JBTS5). Identifiers: Orphanet 2318, MedGen C1857780, MONDO:0012432, OMIM 610188.
Bardet-Biedl syndrome 14 (BBS14). Identifiers: Orphanet 110, MedGen C2673874, MONDO:0014442, OMIM 615991.
CEP290-related disorder. Also called: CEP290-related condition; CEP290-related disorders. Identifiers: MedGen CN239314.
Nephronophthisis. Also called: Juvenile Nephronophthisis. Identifiers: Orphanet 655, MedGen C0687120, MONDO:0019005, HP:0000090.
Meckel-Gruber syndrome. Also called: DYSENCEPHALIA SPLANCHNOCYSTICA; GRUBER SYNDROME; Dysencephalia splachnocystica. Identifiers: Orphanet 564, MedGen C0265215, MONDO:0018921.
Joubert syndrome. Also called: JOUBERT-BOLTSHAUSER SYNDROME; Familial aplasia of the vermis. Identifiers: Orphanet 475, MedGen C5979921, MONDO:0018772.

Allele frequency attached by ClinVar (database versions not stated): gnomAD exomes 0.00003 and 0.00007; TOPMed 0.00006; gnomAD 0.00011; ExAC 0.00017; ESP Exome Variant Server 0.00017.
gnomAD v4.1: 57 of 1,556,280 alleles (0.0037%); highest among the groups gnomAD compares: African/African-American, 0.016%; no homozygotes.

Submissions (4):

Labcorp Genetics (formerly Invitae), Labcorp
Classification: Likely benign for Joubert syndrome; Meckel-Gruber syndrome; Nephronophthisis. Last evaluated: 2026-01-13. Review status: criteria provided, single submitter. Criteria: Invitae Variant Classification Sherloc (09022015). Collection method: clinical testing. Allele origin: germline.

Blueprint Genetics
Classification: Likely benign. Last evaluated: 2024-03-26. Review status: criteria provided, single submitter. Criteria: ACMG Guidelines, 2015. Collection method: clinical testing. Allele origin: germline.

Fulgent Genetics
Classification: Likely benign for Joubert syndrome 5; Senior-Loken syndrome 6; Meckel syndrome, type 4; Leber congenital amaurosis 10; Bardet-Biedl syndrome 14. Last evaluated: 2021-11-12. Review status: criteria provided, single submitter. Criteria: ACMG Guidelines, 2015. Collection method: clinical testing. Allele origin: unknown.

PreventionGenetics, part of Exact Sciences
Classification: Likely benign for CEP290-related condition. Last evaluated: 2020-08-03. Review status: no assertion criteria provided. Collection method: clinical testing. Allele origin: germline. Not counted in ClinVar's aggregate classification.
Comment: This variant is classified as likely benign based on ACMG/AMP sequence variant interpretation guidelines (Richards et al. 2015 PMID: 25741868, with internal and published modifications).

NM_025114.4(CEP290):c.6960+9C>T

Gene: CEP290 (centrosomal protein 290; minus strand). Cytogenetic location: 12q21.32.
Variant type: single nucleotide variant.
Coding change: c.6960+9C>T on transcript NM_025114.4 (MANE Select); 9 bases into the intron after coding-DNA position 6960, C replaced by T.
Molecular consequence: intron variant.
Genome position (GRCh38, 1-based): chr12:88,055,567, G>A on the plus strand (C>T on the coding strand, the complement: CEP290 is on the minus strand). VCF-style: chr12-88055567-G-A. GRCh37 (hg19) VCF-style: chr12-88449344-G-A.
Identifiers: ClinVar variation 704696 (VCV000704696.15), dbSNP rs373226012, ClinGen allele CA6711398.